The following is an entry in ClinVar:

NM_177438.3(DICER1):c.2153A>C (p.Glu718Ala)

Gene: DICER1 (dicer 1, ribonuclease III; minus strand). Cytogenetic location: 14q32.13.
Variant type: single nucleotide variant.
Coding change: c.2153A>C on transcript NM_177438.3 (MANE Select); coding-DNA position 2153, A replaced by C.
Protein change: p.Glu718Ala; replaces glutamic acid 718 with alanine.
Molecular consequence: missense variant.
Genome position (GRCh38, 1-based): chr14:95,111,420, T>G on the plus strand (A>C on the coding strand, the complement: DICER1 is on the minus strand). VCF-style: chr14-95111420-T-G. GRCh37 (hg19) VCF-style: chr14-95577757-T-G.
Other names: c.2153A>C, p.Glu718Ala (NM_001195573.1, NM_001271282.3, NM_001291628.2 and 1 more transcripts); short protein forms E718A.
Identifiers: ClinVar variation 1038710 (VCV001038710.10), dbSNP rs1891950190, ClinGen allele CA390882812.
Genomic context (GRCh38, chr14:95,111,420, plus strand): 5'-CCTGGAACACTGGTCTCTTCTTCATCATGCAAATCAAGCTCCTCTTCATATTTAACAGTC[T>G]CTTTCCCAACTGGCATCAAATGGTCATCCAGTTCGCCTAACAAATTTAAAGAGAGAATTA-3'
Protein context (NP_803187.1, residues 708-728): LDDHLMPVGK[Glu718Ala]TVKYEEELDL

ClinVar aggregate classification (germline): Uncertain significance (1 of 4 stars; one submission).

Conditions:
DICER1-related tumor predisposition. Also called: DICER1 syndrome; DICER1-related pleuropulmonary blastoma cancer predisposition syndrome. Identifiers: Orphanet 284343, MedGen C3839822, MONDO:0100216.

Submission:

Labcorp Genetics (formerly Invitae), Labcorp
Classification: Uncertain significance for DICER1-related tumor predisposition. Last evaluated: 2024-04-29. Review status: criteria provided, single submitter. Criteria: Invitae Variant Classification Sherloc (09022015). Collection method: clinical testing. Allele origin: germline.
Comment: This sequence change replaces glutamic acid, which is acidic and polar, with alanine, which is neutral and non-polar, at codon 718 of the DICER1 protein (p.Glu718Ala). This variant is not present in population databases (gnomAD no frequency). This variant has not been reported in the literature in individuals affected with DICER1-related conditions. ClinVar contains an entry for this variant (Variation ID: 1038710). Advanced modeling of protein sequence and biophysical properties (such as structural, functional, and spatial information, amino acid conservation, physicochemical variation, residue mobility, and thermodynamic stability) performed at Invitae indicates that this missense variant is expected to disrupt DICER1 protein function with a positive predictive value of 80%. In summary, the available evidence is currently insufficient to determine the role of this variant in disease. Therefore, it has been classified as a Variant of Uncertain Significance.